The following is an entry in ClinVar:

NM_001374736.1(DST):c.21243T>A (p.Ser7081Arg)

Gene: DST (dystonin; minus strand). Cytogenetic location: 6p12.1.
Variant type: single nucleotide variant.
Coding change: c.21243T>A on transcript NM_001374736.1 (MANE Select); coding-DNA position 21243, T replaced by A.
Protein change: p.Ser7081Arg; replaces serine 7081 with arginine.
Molecular consequence: missense variant.
Genome position (GRCh38, 1-based): chr6:56,482,842, A>T on the plus strand (T>A on the coding strand, the complement: DST is on the minus strand). VCF-style: chr6-56482842-A-T. GRCh37 (hg19) VCF-style: chr6-56347640-A-T.
Other names: c.14886T>A, p.Ser4962Arg (NM_001144769.5); c.14472T>A, p.Ser4824Arg (NM_001144770.2); c.21243T>A, p.Ser7081Arg (NM_001374722.1); c.20283T>A, p.Ser6761Arg (NM_001374729.1); c.14025T>A, p.Ser4675Arg (NM_001374730.1); c.21270T>A, p.Ser7090Arg (NM_001374734.1); c.13374T>A, p.Ser4458Arg (NM_015548.5); c.14352T>A, p.Ser4784Arg (NM_183380.4); short protein forms S4675R, S4784R, S4824R, S7081R, S7090R, S4458R, S4962R, S6761R.
Identifiers: ClinVar variation 967052 (VCV000967052.8), dbSNP rs779915352, ClinGen allele CA3866547.

ClinVar aggregate classification (germline): Uncertain significance (1 of 4 stars; one submission).

Conditions:
Hereditary sensory and autonomic neuropathy type 6. Also called: Neuropathy, hereditary sensory and autonomic, type VI; HSAN VI. Identifiers: Orphanet 314381, MedGen C3539003, MONDO:0013839, OMIM 614653.
Epidermolysis bullosa simplex 3, localized or generalized intermediate, with BP230 deficiency (EBS3). Also called: Epidermolysis bullosa simplex, autosomal recessive 2; Epidermolysis bullosa simplex due to BP230 deficiency. Identifiers: Orphanet 412181, MedGen C3809470, MONDO:0014180, OMIM 615425.

Allele frequency attached by ClinVar (database versions not stated): TOPMed 0.00001.
gnomAD v4.1: 20 of 1,595,032 alleles (0.0013%); highest among the groups gnomAD compares: Non-Finnish European, 0.0016%; no homozygotes.

Submission:

Labcorp Genetics (formerly Invitae), Labcorp
Classification: Uncertain significance for Epidermolysis bullosa simplex 3, localized or generalized intermediate, with BP230 deficiency; Hereditary sensory and autonomic neuropathy type 6. Last evaluated: 2019-10-16. Review status: criteria provided, single submitter. Criteria: Invitae Variant Classification Sherloc (09022015). Collection method: clinical testing. Allele origin: germline.
Comment: In summary, the available evidence is currently insufficient to determine the role of this variant in disease. Therefore, it has been classified as a Variant of Uncertain Significance. Algorithms developed to predict the effect of missense changes on protein structure and function are either unavailable or do not agree on the potential impact of this missense change (SIFT: "Tolerated"; PolyPhen-2: "Not Available"; Align-GVGD: "Class C0"). This variant has not been reported in the literature in individuals with DST-related conditions. This variant is present in population databases (rs779915352, ExAC 0.002%). This sequence change replaces serine with arginine at codon 4458 of the DST protein (p.Ser4458Arg). The serine residue is moderately conserved and there is a moderate physicochemical difference between serine and arginine. The DST gene has multiple clinically relevant transcripts. The p.Ser4458Arg variant occurs in alternate transcript NM_015548.4, which corresponds to c.*132675T>A in NM_001723.5, the primary transcript listed in the Methods.